The following is an entry in ClinVar:

ClinVar aggregate classification (germline): Uncertain significance. Review status: criteria provided, multiple submitters, no conflicts (2 of 4 stars). 3 submissions from 3 submitters: Uncertain significance (2). 1 of the submissions does not count toward it. Last evaluated 2023-11-13.

Conditions:
Charcot-Marie-Tooth disease type 4. Also called: Charcot-Marie-Tooth, Type 4; Charcot-Marie-Tooth disease, type IV. Identifiers: Orphanet 64749, MedGen C4082197, MONDO:0018995.

Allele frequency attached by ClinVar (database versions not stated): ExAC below 0.00001; TOPMed below 0.00001; gnomAD exomes 0.00001; ESP Exome Variant Server 0.00016.

Submissions (3):

Women's Health and Genetics/Laboratory Corporation of America, LabCorp
Classification: Uncertain significance. Last evaluated: 2023-11-13. Review status: criteria provided, single submitter. Criteria: LabCorp Variant Classification Summary - May 2015. Collection method: clinical testing. Allele origin: germline.
Comment: Variant summary: NDRG1 c.964C>T (p.Arg322Cys) results in a non-conservative amino acid change in the encoded protein sequence. Four of five in-silico tools predict a damaging effect of the variant on protein function. The variant was absent in 164958 control chromosomes (gnomAD). The available data on variant occurrences in the general population are insufficient to allow any conclusion about variant significance. c.964C>T has been reported in the literature in the compound heterozygous state together with a pathogenic variant in an individual suspected of Charcot-Marie Tooth Disease Type 4D (Yalcintepe_2021). These data do not allow any conclusion about variant significance. To our knowledge, no experimental evidence demonstrating an impact on protein function has been reported. The following publication has been ascertained in the context of this evaluation (PMID: 34169998). Two submitters have cited clinical-significance assessments for this variant to ClinVar after 2014. Both submitters classified the variant as uncertain significance. Based on the evidence outlined above, the variant was classified as uncertain significance.

Labcorp Genetics (formerly Invitae), Labcorp
Classification: Uncertain significance for Charcot-Marie-Tooth disease type 4. Last evaluated: 2021-10-16. Review status: criteria provided, single submitter. Criteria: Invitae Variant Classification Sherloc (09022015). Collection method: clinical testing. Allele origin: germline.
Comment: This sequence change replaces arginine with cysteine at codon 322 of the NDRG1 protein (p.Arg322Cys). The arginine residue is moderately conserved and there is a large physicochemical difference between arginine and cysteine. The frequency data for this variant in the population databases is considered unreliable, as metrics indicate poor data quality at this position in the ExAC database. This variant has not been reported in the literature in individuals affected with NDRG1-related conditions. ClinVar contains an entry for this variant (Variation ID: 543311). Algorithms developed to predict the effect of missense changes on protein structure and function are either unavailable or do not agree on the potential impact of this missense change (SIFT: "Tolerated"; PolyPhen-2: "Probably Damaging"; Align-GVGD: "Class C15"). In summary, the available evidence is currently insufficient to determine the role of this variant in disease. Therefore, it has been classified as a Variant of Uncertain Significance.

Natera, Inc.
Classification: Uncertain significance for Charcot-Marie-Tooth disease type 4. Last evaluated: 2020-09-16. Review status: no assertion criteria provided. Collection method: clinical testing. Allele origin: germline. Not counted in ClinVar's aggregate classification.

Literature cited by the submitters: PubMed 34169998 (cited by Women's Health and Genetics/Laboratory Corporation of America, LabCorp).

NM_006096.4(NDRG1):c.964C>T (p.Arg322Cys)

Gene: NDRG1 (N-myc downstream regulated 1; minus strand). Cytogenetic location: 8q24.22.
Variant type: single nucleotide variant.
Coding change: c.964C>T on transcript NM_006096.4 (MANE Select); coding-DNA position 964, C replaced by T.
Protein change: p.Arg322Cys; replaces arginine 322 with cysteine.
Molecular consequence: missense variant.
Genome position (GRCh38, 1-based): chr8:133,239,099, G>A on the plus strand (C>T on the coding strand, the complement: NDRG1 is on the minus strand). VCF-style: chr8-133239099-G-A. GRCh37 (hg19) VCF-style: chr8-134251342-G-A.
Other names: c.964C>T, p.Arg322Cys (NM_001135242.2, NM_001374845.1, NM_001374846.1); c.766C>T, p.Arg256Cys (NM_001258432.2, NM_001374847.1); c.721C>T, p.Arg241Cys (NM_001258433.2); c.1015C>T, p.Arg339Cys (NM_001374844.1); short protein forms R322C, R241C, R256C, R339C.
Identifiers: ClinVar variation 543311 (VCV000543311.5), dbSNP rs368404338, ClinGen allele CA4886455.